The following is an entry in ClinVar:

ClinVar aggregate classification (germline): Conflicting classifications of pathogenicity. Review status: criteria provided, conflicting classifications (1 of 4 stars). 4 submissions from 4 submitters: Uncertain significance (3); Likely benign (1). Last evaluated 2025-10-31.

Conditions:
Myofibrillar myopathy 5. Also called: Filaminopathy (type); FILAMINOPATHY, AUTOSOMAL DOMINANT. Identifiers: Orphanet 171445, MedGen C1836050, MONDO:0012289, OMIM 609524.
Hypertrophic cardiomyopathy 26. Also called: Cardiomyopathy, familial hypertrophic, 26. Identifiers: Orphanet 75249, MedGen C4310749, MONDO:0014883, OMIM 617047.
Distal myopathy with posterior leg and anterior hand involvement. Also called: WILLIAMS DISTAL MYOPATHY. Identifiers: Orphanet 63273, MedGen C3279722, MONDO:0013550, OMIM 614065.
Cardiovascular phenotype. Identifiers: MedGen CN230736.

Allele frequency attached by ClinVar (database versions not stated): ExAC 0.00002; gnomAD 0.00007 and 0.00009; TOPMed 0.00009.
gnomAD v4.1: 34 of 1,613,898 alleles (0.0021%); highest among the groups gnomAD compares: African/African-American, 0.019%; no homozygotes.

Submissions (4):

Labcorp Genetics (formerly Invitae), Labcorp
Classification: Likely benign for Distal myopathy with posterior leg and anterior hand involvement; Myofibrillar myopathy 5; Hypertrophic cardiomyopathy 26. Last evaluated: 2025-10-31. Review status: criteria provided, single submitter. Criteria: Invitae Variant Classification Sherloc (09022015). Collection method: clinical testing. Allele origin: germline.

GeneDx
Classification: Uncertain significance. Last evaluated: 2025-10-23. Review status: criteria provided, single submitter. Criteria: GeneDx Variant Classification Process June 2021. Collection method: clinical testing. Allele origin: germline.
Comment: In silico analysis supports that this missense variant has a deleterious effect on protein structure/function; Has not been previously published as pathogenic or benign to our knowledge

Revvity Omics, Revvity
Classification: Uncertain significance. Last evaluated: 2024-09-09. Review status: criteria provided, single submitter. Criteria: ACMG Guidelines, 2015. Collection method: clinical testing. Allele origin: germline.

Ambry Genetics
Classification: Uncertain significance for Cardiovascular phenotype. Last evaluated: 2023-05-11. Review status: criteria provided, single submitter. Criteria: Ambry Variant Classification Scheme 2023. Collection method: clinical testing. Allele origin: germline.
Comment: The p.A838V variant (also known as c.2513C>T), located in coding exon 16 of the FLNC gene, results from a C to T substitution at nucleotide position 2513. The alanine at codon 838 is replaced by valine, an amino acid with similar properties. This amino acid position is well conserved in available vertebrate species. In addition, the in silico prediction for this alteration is inconclusive. Since supporting evidence is limited at this time, the clinical significance of this alteration remains unclear.

NM_001458.5(FLNC):c.2513C>T (p.Ala838Val)

Gene: FLNC (filamin C; plus strand). Cytogenetic location: 7q32.1.
Variant type: single nucleotide variant.
Coding change: c.2513C>T on transcript NM_001458.5 (MANE Select); coding-DNA position 2513, C replaced by T.
Protein change: p.Ala838Val; replaces alanine 838 with valine.
Molecular consequence: missense variant.
Genome position (GRCh38, 1-based): chr7:128,842,917, C>T. VCF-style: chr7-128842917-C-T. GRCh37 (hg19) VCF-style: chr7-128482971-C-T.
Other names: c.2513C>T, p.Ala838Val (NM_001127487.2); short protein forms A838V.
Identifiers: ClinVar variation 663234 (VCV000663234.15), dbSNP rs775085661, ClinGen allele CA4474749.
Genomic context (GRCh38, chr7:128,842,917, plus strand): 5'-ACTTCGACATCATCAAGAATGACAACGACACCTTCACCGTCAAGTACACGCCACCAGGGG[C>T]GGGCCGCTACACCATCATGGTGCTGTTTGCCAACCAGGTACCTAAGCTCCTGGGTACTCA-3'
Protein context (NP_001449.3, residues 828-848): TFTVKYTPPG[Ala838Val]GRYTIMVLFA